The following is an entry in ClinVar:

NM_000135.4(FANCA):c.3924G>T (p.Leu1308Phe)

Genes: FANCA (FA complementation group A; minus strand), ZNF276 (zinc finger protein 276; plus strand). Cytogenetic location: 16q24.3.
Variant type: single nucleotide variant.
Coding change: c.3924G>T on transcript NM_000135.4 (MANE Select); coding-DNA position 3924, G replaced by T.
Protein change: p.Leu1308Phe; replaces leucine 1308 with phenylalanine.
Molecular consequence: missense variant. On other transcripts: 3 prime UTR variant (2), non-coding transcript variant (4).
Genome position (GRCh38, 1-based): chr16:89,740,004, C>A on the plus strand (G>T on the coding strand, the complement: FANCA is on the minus strand). VCF-style: chr16-89740004-C-A. GRCh37 (hg19) VCF-style: chr16-89806412-C-A.
Other names: c.3924G>T, p.Leu1308Phe (NM_001286167.3); c.*1758C>A (NM_001113525.2, NM_152287.4); short protein forms L1308F.
Identifiers: ClinVar variation 964218 (VCV000964218.9), dbSNP rs775127240, ClinGen allele CA397484914.

ClinVar aggregate classification (germline): Uncertain significance (1 of 4 stars; one submission).

Conditions:
Fanconi anemia (FA). Also called: Fanconi's anemia. Identifiers: Orphanet 84, MedGen C0015625, MeSH D005199, MONDO:0019391.

gnomAD v4.1: 1 of 1,614,154 alleles (0.000062%); highest among the groups gnomAD compares: East Asian, 0.0022%; no homozygotes.

Submission:

Labcorp Genetics (formerly Invitae), Labcorp
Classification: Uncertain significance for Fanconi anemia. Last evaluated: 2019-08-27. Review status: criteria provided, single submitter. Criteria: Invitae Variant Classification Sherloc (09022015). Collection method: clinical testing. Allele origin: germline.
Comment: In summary, the available evidence is currently insufficient to determine the role of this variant in disease. Therefore, it has been classified as a Variant of Uncertain Significance. Algorithms developed to predict the effect of missense changes on protein structure and function are either unavailable or do not agree on the potential impact of this missense change (SIFT: "Tolerated"; PolyPhen-2: "Possibly Damaging"; Align-GVGD: "Class C0"). This variant has not been reported in the literature in individuals with FANCA-related conditions. This variant is not present in population databases (ExAC no frequency). This sequence change replaces leucine with phenylalanine at codon 1308 of the FANCA protein (p.Leu1308Phe). The leucine residue is moderately conserved and there is a small physicochemical difference between leucine and phenylalanine.